The following is an entry in ClinVar:

NM_001365536.1(SCN9A):c.164C>A (p.Ala55Asp)

Gene: SCN9A (sodium voltage-gated channel alpha subunit 9; minus strand). Cytogenetic location: 2q24.3.
Variant type: single nucleotide variant.
Coding change: c.164C>A on transcript NM_001365536.1 (MANE Select); coding-DNA position 164, C replaced by A.
Protein change: p.Ala55Asp; replaces alanine 55 with aspartic acid.
Molecular consequence: missense variant.
Genome position (GRCh38, 1-based): chr2:166,311,593, G>T on the plus strand (C>A on the coding strand, the complement: SCN9A is on the minus strand). VCF-style: chr2-166311593-G-T. GRCh37 (hg19) VCF-style: chr2-167168103-G-T.
Other names: c.164C>A, p.Ala55Asp (NM_002977.4); short protein forms A55D.
Identifiers: ClinVar variation 581782 (VCV000581782.9), dbSNP rs1222851635, ClinGen allele CA349095963.
Genomic context (GRCh38, chr2:166,311,593, plus strand): 5'-AGGGGCTCTGACACCATGCCGGGAGGAATGTCCCCATAGATGAAGGGCAGCTGTTTGCCA[G>T]CTTCCAAGTCACTGCTTGGCTTTGGGGCTTCTTCATCATCATCTTTCTTTTCTTCTTTGG-3'
Protein context (NP_001352465.1, residues 45-65): EAPKPSSDLE[Ala55Asp]GKQLPFIYGD

ClinVar aggregate classification (germline): Uncertain significance (1 of 4 stars; one submission).

Conditions:
Generalized epilepsy with febrile seizures plus, type 7 (GEFSP7). Also called: GEFS+, TYPE 7. Identifiers: Orphanet 36387, MedGen C2751778, MONDO:0013470, OMIM 613863.
Neuropathy, hereditary sensory and autonomic, type 2A (HSAN2A). Also called: HSAN IIA; MORVAN DISEASE; NEUROPATHY, CONGENITAL SENSORY; NEUROPATHY, HEREDITARY SENSORY RADICULAR, AUTOSOMAL RECESSIVE; NEUROPATHY, HEREDITARY SENSORY, TYPE IIA; NEUROPATHY, PROGRESSIVE SENSORY, OF CHILDREN. Identifiers: Orphanet 970, MedGen C2752089, MONDO:0024309, OMIM 201300.

Allele frequency attached by ClinVar (database versions not stated): TOPMed below 0.00001; gnomAD 0.00001.
gnomAD v4.1: 1 of 1,613,092 alleles (0.000062%); highest among the groups gnomAD compares: Non-Finnish European, 0.000085%; no homozygotes.

Submission:

Labcorp Genetics (formerly Invitae), Labcorp
Classification: Uncertain significance for Neuropathy, hereditary sensory and autonomic, type 2A; Generalized epilepsy with febrile seizures plus, type 7. Last evaluated: 2021-05-14. Review status: criteria provided, single submitter. Criteria: Invitae Variant Classification Sherloc (09022015). Collection method: clinical testing. Allele origin: germline.
Comment: This sequence change replaces alanine with aspartic acid at codon 55 of the SCN9A protein (p.Ala55Asp). The alanine residue is highly conserved and there is a moderate physicochemical difference between alanine and aspartic acid. In summary, the available evidence is currently insufficient to determine the role of this variant in disease. Therefore, it has been classified as a Variant of Uncertain Significance. Algorithms developed to predict the effect of missense changes on protein structure and function do not agree on the potential impact of this missense change (SIFT: "Tolerated"; PolyPhen-2: "Probably Damaging"; Align-GVGD: "Class C0"). This variant has not been reported in the literature in individuals with SCN9A-related disease. This variant is not present in population databases (ExAC no frequency).